The following is an entry in ClinVar:

NM_013254.4(TBK1):c.1105del (p.His369fs)

Gene: TBK1 (TANK binding kinase 1; plus strand). Cytogenetic location: 12q14.2.
Variant type: Deletion.
Coding change: c.1105del on transcript NM_013254.4 (MANE Select); coding-DNA position 1105, one base deleted (C; older notation c.1105delC).
Protein change: p.His369fs; shifts the reading frame from histidine 369.
Molecular consequence: frameshift variant.
Genome position (GRCh38, 1-based): chr12:64,484,415, C deleted. VCF-style (leftmost placement, unchanged base first): chr12-64484414-AC-A. GRCh37 (hg19) VCF-style: chr12-64878194-AC-A.
Other names: short protein forms H369fs.
Identifiers: ClinVar variation 4717242 (VCV004717242.1).

ClinVar aggregate classification (germline): Pathogenic (1 of 4 stars; one submission).

Conditions:
Frontotemporal dementia and/or amyotrophic lateral sclerosis 4. Also called: FTDALS4. Identifiers: Orphanet 275872, MedGen C4225325, MONDO:0014641, OMIM 616439.

Submission:

Labcorp Genetics (formerly Invitae), Labcorp
Classification: Pathogenic for Frontotemporal dementia and/or amyotrophic lateral sclerosis 4. Last evaluated: 2025-04-11. Review status: criteria provided, single submitter. Criteria: Invitae Variant Classification Sherloc (09022015). Collection method: clinical testing. Allele origin: germline.
Comment: This sequence change creates a premature translational stop signal (p.His369Ilefs*13) in the TBK1 gene. It is expected to result in an absent or disrupted protein product. Loss-of-function variants in TBK1 are known to be pathogenic (PMID: 25803835, 26476236, 26581300). This variant is not present in population databases (gnomAD no frequency). This variant has not been reported in the literature in individuals affected with TBK1-related conditions. Algorithms developed to predict the effect of sequence changes on RNA splicing suggest that this variant may disrupt the consensus splice site. For these reasons, this variant has been classified as Pathogenic.

Literature cited by the submitters: PubMed 25803835; PubMed 26476236; PubMed 26581300.